The following is an entry in ClinVar:

NM_007194.4(CHEK2):c.598G>A (p.Val200Ile)

Gene: CHEK2 (checkpoint kinase 2; minus strand). Cytogenetic location: 22q12.1.
Variant type: single nucleotide variant.
Coding change: c.598G>A on transcript NM_007194.4 (MANE Select); coding-DNA position 598, G replaced by A.
Protein change: p.Val200Ile; replaces valine 200 with isoleucine.
Molecular consequence: missense variant. On other transcripts: 5 prime UTR variant (2), intron variant (1).
Genome position (GRCh38, 1-based): chr22:28,719,480, C>T on the plus strand (G>A on the coding strand, the complement: CHEK2 is on the minus strand). VCF-style: chr22-28719480-C-T. GRCh37 (hg19) VCF-style: chr22-29115468-C-T.
Other names: p.V200I:GTC>ATC; c.727G>A, p.Val243Ile (NM_001005735.3, NM_001438294.1); c.-66G>A (NM_001257387.3, NM_001437942.1); c.691G>A, p.Val231Ile (NM_001438293.1, NM_001438295.1); c.598G>A, p.Val200Ile (NM_145862.3); c.482+5406G>A (NM_001349956.3); short protein forms V200I, V243I, V231I.
Identifiers: ClinVar variation 182456 (VCV000182456.23), dbSNP rs730881704, ClinGen allele CA299118.
Genomic context (GRCh38, chr22:28,719,480, plus strand): 5'-ATTCATCTCTTAATGCCTTAGGATAAACTGACTGATCATCTACAGTCAGATCAAAAAAGA[C>T]AAAAACTAAGGAAGAAAAGAGTAGAAATGGGTTTCATTAATTTATTCACAAGAGGCGATC-3'
Protein context (NP_009125.1, residues 190-210): ALSLSRNKVF[Val200Ile]FFDLTVDDQS

ClinVar aggregate classification (germline): Uncertain significance. Review status: criteria provided, multiple submitters, no conflicts (2 of 4 stars). 7 submissions from 7 submitters: Uncertain significance (7). Last evaluated 2026-04-08.

Conditions:
Hereditary cancer-predisposing syndrome. Also called: Hereditary neoplastic syndrome; Neoplastic Syndromes, Hereditary; Tumor predisposition; Hereditary Cancer Syndrome. Identifiers: Orphanet 140162, MedGen C0027672, MeSH D009386, MONDO:0015356.
CHEK2-related cancer predisposition (TPDS4). Also called: CHEK2-related cancer susceptibility; TUMOR PREDISPOSITION SYNDROME 4; CANCER PREDISPOSITION SYNDROME, CHEK2-RELATED. Identifiers: Orphanet 524, MedGen C5882668, MONDO:0700271, OMIM 609265.
Familial cancer of breast. Also called: hereditary breast carcinoma; BREAST CANCER, FAMILIAL; Hereditary breast cancer. Identifiers: Orphanet 227535, MedGen C0346153, MONDO:0016419, OMIM 114480. Disease mechanism: loss of function.

Allele frequency attached by ClinVar (database versions not stated): TOPMed 0.00002.

Submissions (7):

Hema, HEMA – Genetic and Molecular Diagnostic Laboratory
Classification: Uncertain significance for CHEK2-related cancer predisposition. Last evaluated: 2026-04-08. Review status: criteria provided, single submitter. Criteria: HEMA Variant Classification Assertion Criteria. Collection method: clinical testing. Allele origin: germline.
Comment: The c.598G>A p.(Val200Ile) variant is a transition from cytosine to thymine, resulting in the substitution of valine 200 by isoleucine. PM2_Supporting: The variant is absent in gnomAD v4.1.1.

Labcorp Genetics (formerly Invitae), Labcorp
Classification: Uncertain significance for Familial cancer of breast. Last evaluated: 2025-11-25. Review status: criteria provided, single submitter. Criteria: Invitae Variant Classification Sherloc (09022015). Collection method: clinical testing. Allele origin: germline.
Comment: This sequence change replaces valine, which is neutral and non-polar, with isoleucine, which is neutral and non-polar, at codon 200 of the CHEK2 protein (p.Val200Ile). This variant is not present in population databases (gnomAD no frequency). This missense change has been observed in individual(s) with breast cancer (PMID: 26976419, 38061684, 39148954). ClinVar contains an entry for this variant (Variation ID: 182456). An algorithm developed to predict the effect of missense changes on protein structure and function (PolyPhen-2) suggests that this variant is likely to be tolerated. In summary, the available evidence is currently insufficient to determine the role of this variant in disease. Therefore, it has been classified as a Variant of Uncertain Significance.

Quest Diagnostics Nichols Institute San Juan Capistrano
Classification: Uncertain significance. Last evaluated: 2025-06-13. Review status: criteria provided, single submitter. Criteria: Quest Diagnostics criteria. Collection method: clinical testing. Allele origin: unknown.
Comment: The CHEK2 c.598G>A (p.Val200Ile) variant has been reported in the published literature in an individual with breast cancer (PMID: 26976419 (2016)), and in reportedly unaffected individuals (PMID: 33471991 (2021), see also LOVD). Functional studies demonstrated that this variant has an inconclusive effect on protein function (PMID: 37449874 (2023)). This variant has not been reported in large, multi-ethnic general populations (Genome Aggregation Database). Analysis of this variant using bioinformatics tools for the prediction of the effect of amino acid changes on protein structure and function yielded predictions that this variant is benign. Based on the available information, we are unable to determine the clinical significance of this variant.

GeneDx
Classification: Uncertain significance. Last evaluated: 2024-10-13. Review status: criteria provided, single submitter. Criteria: GeneDx Variant Classification Process June 2021. Collection method: clinical testing. Allele origin: germline. Affected: yes.
Comment: Not observed at significant frequency in large population cohorts (gnomAD); In silico analysis indicates that this missense variant does not alter protein structure/function; This variant is associated with the following publications: (PMID: 26976419, 22419737, 19782031, 32906215, 38061684)

Ambry Genetics
Classification: Uncertain significance for Hereditary cancer-predisposing syndrome. Last evaluated: 2024-09-16. Review status: criteria provided, single submitter. Criteria: Ambry Variant Classification Scheme 2023. Collection method: clinical testing. Allele origin: germline.
Comment: The p.V200I variant (also known as c.598G>A), located in coding exon 4 of the CHEK2 gene, results from a G to A substitution at nucleotide position 598. The valine at codon 200 is replaced by isoleucine, an amino acid with highly similar properties. This alteration was identified in 1/488 patients with stages I to III breast cancer diagnosed over age 50 who were tested with a 25-gene panel test (Tung N et al. J. Clin. Oncol. 2016 May;34:1460-8). This amino acid position is highly conserved in available vertebrate species. In addition, the in silico prediction for this alteration is inconclusive. Based on the available evidence, the clinical significance of this variant remains unclear.

Baylor Genetics
Classification: Uncertain significance for Familial cancer of breast. Last evaluated: 2023-12-26. Review status: criteria provided, single submitter. Criteria: ACMG Guidelines, 2015. Collection method: clinical testing. Allele origin: unknown.

Color Diagnostics, LLC DBA Color Health
Classification: Uncertain significance for Hereditary cancer-predisposing syndrome. Last evaluated: 2020-09-09. Review status: criteria provided, single submitter. Criteria: ACMG Guidelines, 2015. Collection method: clinical testing. Allele origin: germline.
Comment: This missense variant replaces valine with isoleucine at codon 200 of the CHEK2 protein. Computational prediction suggests that this variant may not impact protein structure and function (internally defined REVEL score threshold <= 0.5, PMID: 27666373). To our knowledge, functional studies have not been reported for this variant. This variant has been reported in an individual affected with breast cancer (PMID: 26976419). This variant has not been identified in the general population by the Genome Aggregation Database (gnomAD). The available evidence is insufficient to determine the role of this variant in disease conclusively. Therefore, this variant is classified as a Variant of Uncertain Significance.

Literature cited by the submitters: PubMed 26976419 (cited by 3 submitters); PubMed 38061684 (cited by Labcorp Genetics (formerly Invitae), Labcorp); PubMed 39148954 (cited by Labcorp Genetics (formerly Invitae), Labcorp); PubMed 37449874 (cited by Quest Diagnostics Nichols Institute San Juan Capistrano); PubMed 33471991 (cited by Quest Diagnostics Nichols Institute San Juan Capistrano); PubMed 32906215 (cited by Quest Diagnostics Nichols Institute San Juan Capistrano).